The following is an entry in ClinVar:

NM_000535.7(PMS2):c.24-1G>C

Gene: PMS2 (PMS1 homolog 2, mismatch repair system component; minus strand). Cytogenetic location: 7p22.1.
Variant type: single nucleotide variant.
Coding change: c.24-1G>C on transcript NM_000535.7 (MANE Select); the canonical splice acceptor site of the intron before coding-DNA position 24, G replaced by C.
Molecular consequence: splice acceptor variant. On other transcripts: intron variant (22).
Genome position (GRCh38, 1-based): chr7:6,006,032, C>G on the plus strand (G>C on the coding strand, the complement: PMS2 is on the minus strand). VCF-style: chr7-6006032-C-G. GRCh37 (hg19) VCF-style: chr7-6045663-C-G.
Other names: c.-52-1974G>C (NM_001322008.2); c.-218-1974G>C (NM_001406881.1); c.-189-1974G>C (NM_001406895.1); c.-242-1974G>C (NM_001406911.1, NM_001322010.2, NM_001322004.2); c.-321-1974G>C (NM_001406879.1); c.-187-6G>C (NM_001406902.1, NM_001406883.1); c.-324-6G>C (NM_001406904.1, NM_001406889.1); c.-377-6G>C (NM_001322013.2, NM_001406905.1, NM_001406906.1 and 6 more transcripts); and 12 more.
Identifiers: ClinVar variation 4667280 (VCV004667280.1).

ClinVar aggregate classification (germline): Likely pathogenic (1 of 4 stars; one submission).

Conditions:
Hereditary cancer-predisposing syndrome. Also called: Neoplastic Syndromes, Hereditary; Tumor predisposition; Hereditary Cancer Syndrome; Hereditary neoplastic syndrome. Identifiers: Orphanet 140162, MedGen C0027672, MeSH D009386, MONDO:0015356.

Submission:

Ambry Genetics
Classification: Likely pathogenic for Hereditary cancer-predisposing syndrome. Last evaluated: 2025-10-07. Review status: criteria provided, single submitter. Criteria: Ambry Variant Classification Scheme 2023. Collection method: clinical testing. Allele origin: germline.
Comment: The c.24-1G>C intronic variant results from a G to C substitution one nucleotide upstream from coding exon 2 of the PMS2 gene. In silico splice site analysis predicts that this alteration will weaken the native splice acceptor site and may result in the creation or strengthening of a novel splice acceptor site; however, direct evidence is insufficient at this time (Ambry internal data). The stop codon in the predicted resulting transcript occurs in the 5' end ofthe gene. As such, this alteration may escape nonsense-mediated mRNAdecay and/or be prone to rescue by reinitiation (Rivas et al. Science. 2015 May 8;348(6235):666-9; Lindeboom et al. Nat Genet. 2016 Oct;48(10):1112-8; Rhee et al. Sci Rep. 2017 May 10;7(1):1653). The exact functional effect of this alteration is unknown; however, the region predicted to be impacted is critical for protein function and a significant portion of the protein is affected (Ambry internal data). This variant is considered to be rare based on population cohorts in the Genome Aggregation Database (gnomAD). This nucleotide position is highly conserved in available vertebrate species. Based on the majority of available evidence to date, this variant is likely to be pathogenic.